The following is an entry in ClinVar:

NM_006341.4(MAD2L2):c.427+2T>A

Gene: MAD2L2 (mitotic arrest deficient 2 like 2; minus strand). Cytogenetic location: 1p36.22.
Variant type: single nucleotide variant.
Coding change: c.427+2T>A on transcript NM_006341.4 (MANE Select); the canonical splice donor site of the intron after coding-DNA position 427, T replaced by A.
Molecular consequence: splice donor variant.
Genome position (GRCh38, 1-based): chr1:11,676,044, A>T on the plus strand (T>A on the coding strand, the complement: MAD2L2 is on the minus strand). VCF-style: chr1-11676044-A-T. GRCh37 (hg19) VCF-style: chr1-11736101-A-T.
Other names: c.427+2T>A (NM_001127325.2).
Identifiers: ClinVar variation 1975864 (VCV001975864.5), dbSNP rs771958137, ClinGen allele CA593752.
Genomic context (GRCh38, chr1:11,676,044, plus strand): 5'-ACAGACCAACCCGAGATAACCATGGAAATGCCAAGGGAAGAGAGGGTGGGGAGTGGACAC[A>T]CCTGGGGGGTTGTGGTCCAGGACGGCATCGCACACGCTGATCTTCAGGATGAAGGCCCGG-3'

ClinVar aggregate classification (germline): Uncertain significance (1 of 4 stars; one submission).

Allele frequency attached by ClinVar (database versions not stated): gnomAD 0.00001; TOPMed 0.00001; ExAC 0.00003.
gnomAD v4.1: 28 of 1,612,386 alleles (0.0017%); highest among the groups gnomAD compares: Non-Finnish European, 0.002%; no homozygotes.

Submission:

Labcorp Genetics (formerly Invitae), Labcorp
Classification: Uncertain significance. Last evaluated: 2024-07-17. Review status: criteria provided, single submitter. Criteria: Invitae Variant Classification Sherloc (09022015). Collection method: clinical testing. Allele origin: germline.
Comment: This sequence change affects a donor splice site in intron 6 of the MAD2L2 gene. It is expected to disrupt RNA splicing. Variants that disrupt the donor or acceptor splice site typically lead to a loss of protein function (PMID: 16199547), however the current clinical and genetic evidence is not sufficient to establish whether loss-of-function variants in MAD2L2 cause disease. This variant is present in population databases (rs771958137, gnomAD 0.005%). This variant has not been reported in the literature in individuals affected with MAD2L2-related conditions. ClinVar contains an entry for this variant (Variation ID: 1975864). Algorithms developed to predict the effect of sequence changes on RNA splicing suggest that this variant may disrupt the consensus splice site. In summary, the available evidence is currently insufficient to determine the role of this variant in disease. Therefore, it has been classified as a Variant of Uncertain Significance.

Literature cited by the submitters: PubMed 16199547.